The following is an entry in ClinVar:

ClinVar aggregate classification (germline): Uncertain significance (1 of 4 stars; one submission).

Conditions:
DICER1-related tumor predisposition. Also called: DICER1 syndrome; DICER1-related pleuropulmonary blastoma cancer predisposition syndrome. Identifiers: Orphanet 284343, MedGen C3839822, MONDO:0100216.

Submission:

Labcorp Genetics (formerly Invitae), Labcorp
Classification: Uncertain significance for DICER1-related tumor predisposition. Last evaluated: 2021-07-13. Review status: criteria provided, single submitter. Criteria: Invitae Variant Classification Sherloc (09022015). Collection method: clinical testing. Allele origin: germline.
Comment: This sequence change affects codon 812 of the DICER1 mRNA. It is a 'silent' change, meaning that it does not change the encoded amino acid sequence of the DICER1 protein. This variant also falls at the last nucleotide of exon 15, which is part of the consensus splice site for this exon. This variant is not present in population databases (ExAC no frequency). This variant has not been reported in the literature in individuals affected with DICER1-related conditions. Nucleotide substitutions within the consensus splice site are a relatively common cause of aberrant splicing (PMID: 17576681, 9536098). Algorithms developed to predict the effect of sequence changes on RNA splicing suggest that this variant may disrupt the consensus splice site. In summary, the available evidence is currently insufficient to determine the role of this variant in disease. Therefore, it has been classified as a Variant of Uncertain Significance.

Literature cited by the submitters: PubMed 17576681; PubMed 9536098.

NM_177438.3(DICER1):c.2436G>A (p.Gln812=)

Gene: DICER1 (dicer 1, ribonuclease III; minus strand). Cytogenetic location: 14q32.13.
Variant type: single nucleotide variant.
Coding change: c.2436G>A on transcript NM_177438.3 (MANE Select); coding-DNA position 2436, G replaced by A.
Protein change: p.Gln812=; no amino-acid change (glutamine 812 retained).
Molecular consequence: synonymous variant.
Genome position (GRCh38, 1-based): chr14:95,108,324, C>T on the plus strand (G>A on the coding strand, the complement: DICER1 is on the minus strand). VCF-style: chr14-95108324-C-T. GRCh37 (hg19) VCF-style: chr14-95574661-C-T.
Other names: c.2436G>A, p.Gln812= (NM_001195573.1, NM_001271282.3, NM_001291628.2 and 1 more transcripts).
Identifiers: ClinVar variation 1519814 (VCV001519814.7), dbSNP rs2140031082, ClinGen allele CA487628366.